The following is an entry in ClinVar:

ClinVar aggregate classification (germline): Likely benign (1 of 4 stars; one submission).

Allele frequency attached by ClinVar (database versions not stated): TOPMed below 0.00001.

Submission:

CeGaT Center for Human Genetics Tuebingen
Classification: Likely benign. Last evaluated: 2024-03-01. Review status: criteria provided, single submitter. Criteria: CeGaT Center For Human Genetics Tuebingen Variant Classification Criteria Version 2. Collection method: clinical testing. Allele origin: germline. Affected: yes. Observed: 1 variant allele.
Comment: DIDO1: PM2:Supporting, BP4, BP7

NM_001193369.2(DIDO1):c.6582C>T (p.Ser2194=)

Genes: DIDO1 (death inducer-obliterator 1; minus strand), LOC125387317 (Sharpr-MPRA regulatory region 11652; plus strand). Cytogenetic location: 20q13.33.
Variant type: single nucleotide variant.
Coding change: c.6582C>T on transcript NM_001193369.2 (MANE Select); coding-DNA position 6582, C replaced by T.
Protein change: p.Ser2194=; no amino-acid change (serine 2194 retained).
Molecular consequence: synonymous variant.
Genome position (GRCh38, 1-based): chr20:62,879,374, G>A on the plus strand (C>T on the coding strand, the complement: DIDO1 is on the minus strand). VCF-style: chr20-62879374-G-A. GRCh37 (hg19) VCF-style: chr20-61510726-G-A.
Other names: c.6582C>T, p.Ser2194= (NM_033081.3).
Identifiers: ClinVar variation 3234573 (VCV003234573.20), dbSNP rs1226360454, ClinGen allele CA511332287.